The following is an entry in ClinVar:

NM_000178.4(GSS):c.472C>T (p.Arg158Trp)

Gene: GSS (glutathione synthetase; minus strand). Cytogenetic location: 20q11.22.
Variant type: single nucleotide variant.
Coding change: c.472C>T on transcript NM_000178.4 (MANE Select); coding-DNA position 472, C replaced by T.
Protein change: p.Arg158Trp; replaces arginine 158 with tryptophan.
Molecular consequence: missense variant.
Genome position (GRCh38, 1-based): chr20:34,942,507, G>A on the plus strand (C>T on the coding strand, the complement: GSS is on the minus strand). VCF-style: chr20-34942507-G-A. GRCh37 (hg19) VCF-style: chr20-33530310-G-A.
Other names: c.472C>T (NM_000178.2); c.472C>T, p.Arg158Trp (NM_001322494.1, NM_001322495.1); short protein forms R158W.
Identifiers: ClinVar variation 1696098 (VCV001696098.6), dbSNP rs761900749, ClinGen allele CA313484327.

ClinVar aggregate classification (germline): Uncertain significance. Review status: criteria provided, multiple submitters, no conflicts (2 of 4 stars). 4 submissions from 4 submitters: Uncertain significance (4). Last evaluated 2025-12-19.

Conditions:
Inborn genetic diseases. Identifiers: MedGen C0950123, MeSH D030342.

Allele frequency attached by ClinVar (database versions not stated): gnomAD exomes 0.00002; TOPMed 0.00003; gnomAD 0.00004 and 0.00005.
gnomAD v4.1: 43 of 1,613,664 alleles (0.0027%); highest among the groups gnomAD compares: South Asian, 0.0088%; no homozygotes.

Submissions (4):

Ambry Genetics
Classification: Uncertain significance for Inborn genetic diseases. Last evaluated: 2025-12-19. Review status: criteria provided, single submitter. Criteria: Ambry Variant Classification Scheme 2023. Collection method: clinical testing. Allele origin: germline.
Comment: The p.R158W variant (also known as c.472C>T), located in coding exon 4 of the GSS gene, results from a C to T substitution at nucleotide position 472. The arginine at codon 158 is replaced by tryptophan, an amino acid with dissimilar properties. This amino acid position is conserved. In addition, the in silico prediction for this alteration is inconclusive. Based on the available evidence, the clinical significance of this variant remains unclear.

Revvity Omics, Revvity
Classification: Uncertain significance. Last evaluated: 2024-02-19. Review status: criteria provided, single submitter. Criteria: ACMG Guidelines, 2015. Collection method: clinical testing. Allele origin: germline.

Women's Health and Genetics/Laboratory Corporation of America, LabCorp
Classification: Uncertain significance. Last evaluated: 2022-05-03. Review status: criteria provided, single submitter. Criteria: LabCorp Variant Classification Summary - May 2015. Collection method: clinical testing. Allele origin: germline.

Blueprint Genetics
Classification: Uncertain significance. Last evaluated: 2021-06-21. Review status: criteria provided, single submitter. Criteria: ACMG Guidelines, 2015. Collection method: clinical testing. Allele origin: germline.